The following is an entry in ClinVar:

GRCh37/hg19 20p12.2-11.23(chr20:11702911-19179706)x3

Genes: ISM1 (isthmin 1; plus strand), KAT14 (lysine acetyltransferase 14; plus strand), RRBP1 (ribosome binding protein 1; minus strand), KIF16B (kinesin family member 16B; minus strand), RBBP9 (RB binding protein 9, serine hydrolase; minus strand) and 25 more. Cytogenetic location: 20p12.2-11.23.
Variant type: copy number gain.
Change: copy number 3 (three copies instead of two) of chr20:11,702,911-19,179,706 (7.48 Mb, GRCh37 coordinates, 1-based), cytogenetic band 20p12.2-11.23.
Identifiers: ClinVar variation 1328443 (VCV001328443.4).

ClinVar aggregate classification (germline): Uncertain significance (1 of 4 stars; one submission).

Submission:

Illumina Laboratory Services, Illumina
Classification: Uncertain significance. Last evaluated: 2020-12-14. Review status: criteria provided, single submitter. Criteria: ICSL CNVClassificationCriteria Aug2020. Collection method: clinical testing. Allele origin: unknown.
Comment: This CNV is an inherited heterozygous ~7.5 Mb duplication on chromosome 20 of 20p12.2- p11.23, (seq[GRCh37]dup(20)(p12.2p11.23); chr20:g.11702911_19179706dup). This event encompasses over 45 genes, including 30 protein-coding genes. However, no genes in this this interval are currently known to be dosage-sensitive. Individuals with similar gains have not been reported in the peer-reviewed literature nor are they reported in control populations from the Database of Genomic Variants or the Developmental Delay controls (Cooper et al. 2011; MacDonald et al. 2014). A similar event is reported in an unpublished, symptomatic individual referred for chromosomal microarray testing in a ClinVar submission, however phenotypic and inheritance data are unavailable for this case (Variation ID: 625735, Accession: VCV000625735.1, Last evaluated: Nov 1, 2018). Based on the limited evidence, this CNV is classified as a variant of uncertain significance.

Literature cited by the submitters: PubMed 21841781; PubMed 24174537.